The following is an entry in ClinVar:

NM_000090.4(COL3A1):c.759A>G (p.Pro253=)

Gene: COL3A1 (collagen type III alpha 1 chain; plus strand). Cytogenetic location: 2q32.2.
Variant type: single nucleotide variant.
Coding change: c.759A>G on transcript NM_000090.4 (MANE Select); coding-DNA position 759, A replaced by G.
Protein change: p.Pro253=; no amino-acid change (proline 253 retained).
Molecular consequence: synonymous variant.
Genome position (GRCh38, 1-based): chr2:188,990,321, A>G. VCF-style: chr2-188990321-A-G. GRCh37 (hg19) VCF-style: chr2-189855047-A-G.
Identifiers: ClinVar variation 757383 (VCV000757383.15), dbSNP rs376198106, ClinGen allele CA076874.

ClinVar aggregate classification (germline): Likely benign. Review status: criteria provided, multiple submitters, no conflicts (2 of 4 stars). 4 submissions from 4 submitters: Likely benign (4). Last evaluated 2026-01-21.

Conditions:
Familial thoracic aortic aneurysm and aortic dissection (TAAD). Also called: Thoracic aortic aneurysms and dissections. Identifiers: Orphanet 91387, MedGen C4707243, MONDO:0019625.
Ehlers-Danlos syndrome, type 4 (EDSVASC). Also called: Ehlers-Danlos syndrome vascular type; Ehlers Danlos syndrome, ecchymotic type; Ehlers Danlos syndrome, arterial type; Ehlers Danlos syndrome, Sack-Barabas type; Ehlers-Danlos Syndrome Type IV. Identifiers: Orphanet 286, MedGen C0268338, MONDO:0017314, OMIM 130050.

Allele frequency attached by ClinVar (database versions not stated): gnomAD exomes below 0.00001 and 0.00001; ExAC 0.00001; gnomAD 0.00001; TOPMed 0.00001; ESP Exome Variant Server 0.00008.
gnomAD v4.1: 6 of 1,613,252 alleles (0.00037%); highest among the groups gnomAD compares: Non-Finnish European, 0.00051%; no homozygotes.

Submissions (4):

Labcorp Genetics (formerly Invitae), Labcorp
Classification: Likely benign for Ehlers-Danlos syndrome, type 4. Last evaluated: 2026-01-21. Review status: criteria provided, single submitter. Criteria: Invitae Variant Classification Sherloc (09022015). Collection method: clinical testing. Allele origin: germline.

Ambry Genetics
Classification: Likely benign for Familial thoracic aortic aneurysm and aortic dissection. Last evaluated: 2023-10-21. Review status: criteria provided, single submitter. Criteria: Ambry Variant Classification Scheme 2023. Collection method: clinical testing. Allele origin: germline.

All of Us Research Program, National Institutes of Health
Classification: Likely benign for Ehlers-Danlos syndrome, type 4. Last evaluated: 2023-08-28. Review status: criteria provided, single submitter. Criteria: ACMG Guidelines, 2015. Collection method: clinical testing. Allele origin: germline. Inheritance: Autosomal dominant inheritance. Observed: 1 variant allele, 1 heterozygote.
Comment: This study involves interpretation of variants in research participants for the purpose of population health screening. Participant phenotype was not available at the time of variant classification. Additional details can be found in publication PMID: 35346344, PMCID: PMC8962531

Color Diagnostics, LLC DBA Color Health
Classification: Likely benign for Familial thoracic aortic aneurysm and aortic dissection. Last evaluated: 2018-11-30. Review status: criteria provided, single submitter. Criteria: ACMG Guidelines, 2015. Collection method: clinical testing. Allele origin: germline.